The following is an entry in ClinVar:

ClinVar aggregate classification (germline): Benign/Likely benign. Review status: criteria provided, multiple submitters, no conflicts (2 of 4 stars). 2 submissions from 2 submitters: Benign (1); Likely benign (1). Last evaluated 2021-05-10.

Conditions:
Ataxia, early-onset, with oculomotor apraxia and hypoalbuminemia (EAOH). Also called: Ataxia-oculomotor apraxia type 1; ATAXIA-OCULOMOTOR APRAXIA SYNDROME; ATAXIA-TELANGIECTASIA-LIKE SYNDROME. Identifiers: Orphanet 1168, MedGen C1859598, MONDO:0008842, OMIM 208920.

Allele frequency attached by ClinVar (database versions not stated): ExAC 0.00034; gnomAD exomes 0.00066 and 0.00108; gnomAD 0.00551 and 0.00570; TOPMed 0.00570; 1000 Genomes Project 0.00819; 1000 Genomes Project 30x 0.00906.
gnomAD v4.1: 1,037 of 445,914 alleles (0.23%); highest among the groups gnomAD compares: African/African-American, 1.9%; 9 homozygotes.

Submissions (2):

GeneDx
Classification: Likely benign. Last evaluated: 2021-05-10. Review status: criteria provided, single submitter. Criteria: GeneDx Variant Classification Process June 2021. Collection method: clinical testing. Allele origin: germline. Affected: yes.

Illumina Laboratory Services, Illumina
Classification: Benign for Ataxia, early-onset, with oculomotor apraxia and hypoalbuminemia. Last evaluated: 2018-01-12. Review status: criteria provided, single submitter. Criteria: ICSL Variant Classification Criteria 13 December 2019. Collection method: clinical testing. Allele origin: germline.
Comment: This variant was observed in the ICSL laboratory as part of a predisposition screen in an ostensibly healthy population. It had not been previously curated by ICSL or reported in the Human Gene Mutation Database (HGMD: prior to June 1st, 2018), and was therefore a candidate for classification through an automated scoring system. Utilizing variant allele frequency, disease prevalence and penetrance estimates, and inheritance mode, an automated score was calculated to assess if this variant is too frequent to cause the disease. Based on the score and internal cut-off values, a variant classified as benign is not then subjected to further curation. The score for this variant resulted in a classification of benign for this disease.

NM_001195248.2(APTX):c.*806G>A

Gene: APTX (aprataxin; minus strand). Cytogenetic location: 9p21.1.
Variant type: single nucleotide variant.
Coding change: c.*806G>A on transcript NM_001195248.2 (MANE Select); 806 bases downstream of the stop codon, G replaced by A.
Molecular consequence: 3 prime UTR variant. On other transcripts: non-coding transcript variant (13).
Genome position (GRCh38, 1-based): chr9:32,972,692, C>T on the plus strand (G>A on the coding strand, the complement: APTX is on the minus strand). VCF-style: chr9-32972692-C-T. GRCh37 (hg19) VCF-style: chr9-32972690-C-T.
Other names: c.*806G>A (NM_001195249.2, NM_001195250.2, NM_001195252.2 and 15 more transcripts); c.*992G>A (NM_001195251.2, NM_001368999.1, NM_001369006.1 and 1 more transcripts).
Identifiers: ClinVar variation 366583 (VCV000366583.9), dbSNP rs113556331, ClinGen allele CA5022183.